The following is an entry in ClinVar:

NM_000492.4(CFTR):c.1975_1976del (p.Asn659fs)

Gene: CFTR (CF transmembrane conductance regulator; plus strand). Cytogenetic location: 7q31.2.
Variant type: Deletion.
Coding change: c.1975_1976del on transcript NM_000492.4 (MANE Select); coding-DNA positions 1975 to 1976, 2 bases deleted (AA; older notation c.1975_1976delAA).
Protein change: p.Asn659fs; shifts the reading frame from asparagine 659.
Molecular consequence: frameshift variant.
Genome position (GRCh38, 1-based): chr7:117,592,142-117,592,143, AA deleted; deleting any 2 consecutive bases within chr7:117,592,141-117,592,143 gives the same sequence; the c. name uses the placement nearest the transcript's 3' end. VCF-style (leftmost placement, unchanged base first): chr7-117592140-GAA-G. GRCh37 (hg19) VCF-style: chr7-117232194-GAA-G.
Other names: c.1975_1976delAA, p.Asn659Phefs (NM_000492.3); short protein forms N659fs.
Identifiers: ClinVar variation 4818492 (VCV004818492.1).
Genomic context (GRCh38, chr7:117,592,140, plus strand): 5'-CAGACTTTAGCTCAAAACTCATGGGATGTGATTCTTTCGACCAATTTAGTGCAGAAAGAA[GAA>G]ATTCAATCCTAACTGAGACCTTACACCGTTTCTCATTAGAAGGAGATGCTCCTGTCTCCT-3'

ClinVar aggregate classification (germline): Likely pathogenic (1 of 4 stars; one submission).

Conditions:
CFTR-related disorder (CFTR-RD). Also called: CFTR-related disorders; CFTR-related condition. Identifiers: MedGen C5924204, MONDO:7770004.

Submission:

Natera, Inc.
Classification: Likely pathogenic for CFTR-related disorders. Last evaluated: 2024-10-29. Review status: criteria provided, single submitter. Criteria: Natera Variant Classification Schema (03/2026). Collection method: clinical testing. Allele origin: germline.
Comment: The c.1975_1976del variant in CFTR is a frameshift variant predicted to shift the reading frame beginning at codon 659 and leads to a stop codon 5 codons downstream. This variant is expected to result in nonsense mediated decay, truncation, or a dysfunctional protein product. This variant is rare in the general population with a frequency below the threshold expected for the associated phenotype(s). Given the available evidence, this variant is classified as Likely Pathogenic.